The following is an entry in ClinVar:

ClinVar aggregate classification (germline): Uncertain significance (1 of 4 stars; one submission).

Conditions:
Pulmonary fibrosis and/or bone marrow failure, Telomere-related, 3. Also called: PULMONARY FIBROSIS AND/OR BONE MARROW FAILURE SYNDROME, TELOMERE-RELATED, 3. Identifiers: Orphanet 2032, MedGen C4225346, MONDO:0014613, OMIM 616373.
Dyskeratosis congenita, autosomal recessive 5 (DKCB5). Identifiers: MedGen C3554656, MONDO:0014076, OMIM 615190.

Submission:

Labcorp Genetics (formerly Invitae), Labcorp
Classification: Uncertain significance for Dyskeratosis congenita, autosomal recessive 5; Pulmonary fibrosis and/or bone marrow failure, Telomere-related, 3. Last evaluated: 2022-05-08. Review status: criteria provided, single submitter. Criteria: Invitae Variant Classification Sherloc (09022015). Collection method: clinical testing. Allele origin: germline.
Comment: In summary, the available evidence is currently insufficient to determine the role of this variant in disease. Therefore, it has been classified as a Variant of Uncertain Significance. This sequence change affects a donor splice site in intron 34 of the RTEL1 gene. While this variant is not anticipated to result in nonsense mediated decay, it likely alters RNA splicing and results in a disrupted protein product. This variant is not present in population databases (gnomAD no frequency). This variant has not been reported in the literature in individuals affected with RTEL1-related conditions. Variants that disrupt the consensus splice site are a relatively common cause of aberrant splicing (PMID: 17576681, 9536098). Algorithms developed to predict the effect of sequence changes on RNA splicing suggest that this variant may disrupt the consensus splice site.

Literature cited by the submitters: PubMed 17576681; PubMed 9536098.

NM_001283009.2(RTEL1):c.3822+1G>A

Genes: RTEL1 (regulator of telomere elongation helicase 1; plus strand), RTEL1-TNFRSF6B (RTEL1-TNFRSF6B readthrough (NMD candidate); plus strand). Cytogenetic location: 20q13.33.
Variant type: single nucleotide variant.
Coding change: c.3822+1G>A on transcript NM_001283009.2 (MANE Select); the canonical splice donor site of the intron after coding-DNA position 3822, G replaced by A.
Molecular consequence: splice donor variant. On other transcripts: intron variant (3).
Genome position (GRCh38, 1-based): chr20:63,695,651, G>A. VCF-style: chr20-63695651-G-A. GRCh37 (hg19) VCF-style: chr20-62327004-G-A.
Other names: c.2984-127G>A (NM_001283010.1); c.3725-127G>A (NM_032957.5); c.3653-127G>A (NM_016434.4).
Identifiers: ClinVar variation 1942810 (VCV001942810.5), dbSNP rs2517205302, ClinGen allele CA409710382.
Genomic context (GRCh38, chr20:63,695,651, plus strand): 5'-TTCCAGTGCCCTGCCTGTGACTTCCAGCGCTGCCAAGCCTGCTGGCAACGGCACCTTCAG[G>A]TTGGTGCCTGGCCACTACAGTTCCTGCTGGGTGTAGCCCCAGGTGATGGGCTGAGGGGGA-3'